The following is an entry in ClinVar:

NM_000542.5(SFTPB):c.731G>A (p.Gly244Asp)

Gene: SFTPB (surfactant protein B; minus strand). Cytogenetic location: 2p11.2.
Variant type: single nucleotide variant.
Coding change: c.731G>A on transcript NM_000542.5 (MANE Select); coding-DNA position 731, G replaced by A.
Protein change: p.Gly244Asp; replaces glycine 244 with aspartic acid.
Molecular consequence: missense variant.
Genome position (GRCh38, 1-based): chr2:85,663,789, C>T on the plus strand (G>A on the coding strand, the complement: SFTPB is on the minus strand). VCF-style: chr2-85663789-C-T. GRCh37 (hg19) VCF-style: chr2-85890912-C-T.
Other names: c.731G>A, p.Gly244Asp (NM_001367281.2, NM_198843.4); short protein forms G244D.
Identifiers: ClinVar variation 4813562 (VCV004813562.1).

ClinVar aggregate classification (germline): Uncertain significance (1 of 4 stars; one submission).

Conditions:
Surfactant metabolism dysfunction, pulmonary, 1. Also called: INTERSTITIAL LUNG DISEASE DUE TO SURFACTANT PROTEIN B DEFICIENCY; INTERSTITIAL LUNG DISEASE, NONSPECIFIC, DUE TO SURFACTANT PROTEIN B DEFICIENCY; PULMONARY ALVEOLAR PROTEINOSIS, CONGENITAL, 1; Pulmonary surfactant protein B, deficiency of; Neonatal acute respiratory distress due to SP-B deficiency. Identifiers: Orphanet 217563, MedGen C1968602, MONDO:0009929, OMIM 265120.

Submission:

Mendelics
Classification: Uncertain significance for Surfactant metabolism dysfunction, pulmonary, 1. Last evaluated: 2026-03-05. Review status: criteria provided, single submitter. Criteria: ACMG Guidelines, 2015. Collection method: clinical testing. Allele origin: unknown.
Comment: The available evidence is insufficient to conclusively determine the role of this variant. Therefore, it is classified as a Variant of Uncertain Significance.